The following is an entry in ClinVar:

ClinVar aggregate classification (germline): Uncertain significance (1 of 4 stars; one submission).

Submission:

Labcorp Genetics (formerly Invitae), Labcorp
Classification: Uncertain significance. Last evaluated: 2021-08-06. Review status: criteria provided, single submitter. Criteria: Invitae Variant Classification Sherloc (09022015). Collection method: clinical testing. Allele origin: germline.
Comment: This variant has not been reported in the literature in individuals affected with MYO18B-related conditions. Algorithms developed to predict the effect of missense changes on protein structure and function are either unavailable or do not agree on the potential impact of this missense change (SIFT: "Not Available"; PolyPhen-2: "Probably Damaging"; Align-GVGD: "Not Available"). In summary, the available evidence is currently insufficient to determine the role of this variant in disease. Therefore, it has been classified as a Variant of Uncertain Significance. This sequence change replaces histidine with arginine at codon 777 of the MYO18B protein (p.His777Arg). The histidine residue is moderately conserved and there is a small physicochemical difference between histidine and arginine. This variant is not present in population databases (ExAC no frequency).

NM_032608.7(MYO18B):c.2330A>G (p.His777Arg)

Gene: MYO18B (myosin XVIIIB; plus strand). Cytogenetic location: 22q12.1.
Variant type: single nucleotide variant.
Coding change: c.2330A>G on transcript NM_032608.7 (MANE Select); coding-DNA position 2330, A replaced by G.
Protein change: p.His777Arg; replaces histidine 777 with arginine.
Molecular consequence: missense variant.
Genome position (GRCh38, 1-based): chr22:25,785,445, A>G. VCF-style: chr22-25785445-A-G. GRCh37 (hg19) VCF-style: chr22-26181412-A-G.
Other names: c.2330A>G, p.His777Arg (NM_001318245.2); short protein forms H777R.
Identifiers: ClinVar variation 1499096 (VCV001499096.6), dbSNP rs2145685747, ClinGen allele CA410994537.